The following is an entry in ClinVar:

ClinVar aggregate classification (germline): Conflicting classifications of pathogenicity. Review status: criteria provided, conflicting classifications (1 of 4 stars). 2 submissions from 2 submitters: Uncertain significance (1); Likely benign (1). Last evaluated 2024-04-22.

Conditions:
Cardiovascular phenotype. Identifiers: MedGen CN230736.
Brugada syndrome. Also called: Sudden unexplained nocturnal death syndrome; Sudden unexpected nocturnal death syndrome; Sudden Unexplained Death Syndrome; Sudden Unexplained Nocturnal Death Syndrome (SUNDS). Identifiers: Orphanet 130, MedGen C1142166, MONDO:0015263.

gnomAD v4.1: 4 of 1,602,218 alleles (0.00025%); highest among the groups gnomAD compares: East Asian, 0.009%; no homozygotes.

Submissions (2):

Labcorp Genetics (formerly Invitae), Labcorp
Classification: Uncertain significance for Brugada syndrome. Last evaluated: 2024-04-22. Review status: criteria provided, single submitter. Criteria: Invitae Variant Classification Sherloc (09022015). Collection method: clinical testing. Allele origin: germline.
Comment: This sequence change replaces arginine, which is basic and polar, with proline, which is neutral and non-polar, at codon 498 of the SCN10A protein (p.Arg498Pro). This variant is present in population databases (rs372716583, gnomAD 0.02%). This variant has not been reported in the literature in individuals affected with SCN10A-related conditions. ClinVar contains an entry for this variant (Variation ID: 1516673). Advanced modeling of protein sequence and biophysical properties (such as structural, functional, and spatial information, amino acid conservation, physicochemical variation, residue mobility, and thermodynamic stability) performed at Invitae indicates that this missense variant is not expected to disrupt SCN10A protein function with a negative predictive value of 80%. In summary, the available evidence is currently insufficient to determine the role of this variant in disease. Therefore, it has been classified as a Variant of Uncertain Significance.

Ambry Genetics
Classification: Likely benign for Cardiovascular phenotype. Last evaluated: 2023-01-03. Review status: criteria provided, single submitter. Criteria: Ambry Variant Classification Scheme 2023. Collection method: clinical testing. Allele origin: germline.

NM_006514.4(SCN10A):c.1493G>C (p.Arg498Pro)

Gene: SCN10A (sodium voltage-gated channel alpha subunit 10; minus strand). Cytogenetic location: 3p22.2.
Variant type: single nucleotide variant.
Coding change: c.1493G>C on transcript NM_006514.4 (MANE Select); coding-DNA position 1493, G replaced by C.
Protein change: p.Arg498Pro; replaces arginine 498 with proline.
Molecular consequence: missense variant. On other transcripts: intron variant (1).
Genome position (GRCh38, 1-based): chr3:38,752,481, C>G on the plus strand (G>C on the coding strand, the complement: SCN10A is on the minus strand). VCF-style: chr3-38752481-C-G. GRCh37 (hg19) VCF-style: chr3-38793972-C-G.
Other names: c.1493G>C, p.Arg498Pro (NM_001293306.2); c.1462-2297G>C (NM_001293307.2); short protein forms R498P.
Identifiers: ClinVar variation 1516673 (VCV001516673.10), dbSNP rs372716583, ClinGen allele CA2320833.